The following is an entry in ClinVar:

NM_002692.4(POLE2):c.173C>G (p.Ser58Ter)

Gene: POLE2 (DNA polymerase epsilon 2, accessory subunit; minus strand). Cytogenetic location: 14q21.3.
Variant type: single nucleotide variant.
Coding change: c.173C>G on transcript NM_002692.4 (MANE Select); coding-DNA position 173, C replaced by G.
Protein change: p.Ser58Ter; replaces serine 58 with a stop codon.
Molecular consequence: nonsense. On other transcripts: 5 prime UTR variant (1).
Genome position (GRCh38, 1-based): chr14:49,679,797, G>C on the plus strand (C>G on the coding strand, the complement: POLE2 is on the minus strand). VCF-style: chr14-49679797-G-C. GRCh37 (hg19) VCF-style: chr14-50146515-G-C.
Other names: c.173C>G, p.Ser58Ter (NM_001197330.2, NM_001197331.3, NM_001348384.2); c.-63C>G (NM_001348385.2); short protein forms S58*.
Identifiers: ClinVar variation 2696282 (VCV002696282.3), dbSNP rs2502927505, ClinGen allele CA389615245.
Genomic context (GRCh38, chr14:49,679,797, plus strand): 5'-ACAGACTGACTGCATTCCTGGACTGCTGCTTCCACCACAGATCGTTCAATCATGTTTGAT[G>C]ACACTGAAAAGAGAATTTCAAAGTCAAAATTTAAAAACAAAAAAAAAAATAGTTCTTTCC-3'

ClinVar aggregate classification (germline): Uncertain significance (1 of 4 stars; one submission).

Submission:

Labcorp Genetics (formerly Invitae), Labcorp
Classification: Uncertain significance. Last evaluated: 2023-11-21. Review status: criteria provided, single submitter. Criteria: Invitae Variant Classification Sherloc (09022015). Collection method: clinical testing. Allele origin: germline.
Comment: This sequence change creates a premature translational stop signal (p.Ser58*) in the POLE2 gene. It is expected to result in an absent or disrupted protein product. However, the current clinical and genetic evidence is not sufficient to establish whether loss-of-function variants in POLE2 cause disease. This variant is not present in population databases (gnomAD no frequency). This variant has not been reported in the literature in individuals affected with POLE2-related conditions. In summary, the available evidence is currently insufficient to determine the role of this variant in disease. Therefore, it has been classified as a Variant of Uncertain Significance.